The following is an entry in ClinVar:

NM_006445.4(PRPF8):c.6978C>G (p.Tyr2326Ter)

Gene: PRPF8 (pre-mRNA processing factor 8; minus strand). Cytogenetic location: 17p13.3.
Variant type: single nucleotide variant.
Coding change: c.6978C>G on transcript NM_006445.4 (MANE Select); coding-DNA position 6978, C replaced by G.
Protein change: p.Tyr2326Ter; replaces tyrosine 2326 with a stop codon.
Molecular consequence: nonsense.
Genome position (GRCh38, 1-based): chr17:1,650,832, G>C on the plus strand (C>G on the coding strand, the complement: PRPF8 is on the minus strand). VCF-style: chr17-1650832-G-C. GRCh37 (hg19) VCF-style: chr17-1554126-G-C.
Other names: short protein forms Y2326*.
Identifiers: ClinVar variation 1433653 (VCV001433653.10), dbSNP rs773363890, ClinGen allele CA397561775.

ClinVar aggregate classification (germline): Pathogenic/Likely pathogenic. Review status: criteria provided, multiple submitters, no conflicts (2 of 4 stars). 3 submissions from 3 submitters: Pathogenic (1); Likely pathogenic (2). Last evaluated 2024-04-17.

Conditions:
Retinitis pigmentosa 13 (RP13). Also called: PRPF 8-Related Retinitis Pigmentosa. Identifiers: Orphanet 791, MedGen C1838702, MONDO:0010806, OMIM 600059.
PRPF8-related disorder. Also called: PRPF8-related condition.

Submissions (3):

Labcorp Genetics (formerly Invitae), Labcorp
Classification: Pathogenic. Last evaluated: 2024-04-17. Review status: criteria provided, single submitter. Criteria: Invitae Variant Classification Sherloc (09022015). Collection method: clinical testing. Allele origin: germline.
Comment: This sequence change creates a premature translational stop signal (p.Tyr2326*) in the PRPF8 gene. While this is not anticipated to result in nonsense mediated decay, it is expected to disrupt the last 10 amino acid(s) of the PRPF8 protein. This variant is not present in population databases (gnomAD no frequency). This premature translational stop signal has been observed in individual(s) with retinitis pigmentosa (Invitae). ClinVar contains an entry for this variant (Variation ID: 1433653). This variant disrupts a region of the PRPF8 protein in which other variant(s) (p.Tyr2334Asn) have been determined to be pathogenic (PMID: 20232351, 21378395, 28515276; Invitae). This suggests that this is a clinically significant region of the protein, and that variants that disrupt it are likely to be disease-causing. For these reasons, this variant has been classified as Pathogenic.

Victorian Clinical Genetics Services, Murdoch Childrens Research Institute
Classification: Likely pathogenic for Retinitis pigmentosa 13. Last evaluated: 2021-05-06. Review status: criteria provided, single submitter. Criteria: ACMG Guidelines, 2015. Collection method: clinical testing. Allele origin: germline. Inheritance: Autosomal dominant inheritance.
Comment: Based on the classification scheme VCGS_Germline_v1.3.4, this variant is classified as likely pathogenic. Following criteria are met: 0105 - The mechanism of disease for this gene is not clearly established. However, dominant negative or gain of function have been suggested. The majority of pathogenic variants are clustered in the last exon (PMID: 32424050). (I) 0107 - This gene is associated with autosomal dominant disease. (I) 0115 - Variants in this gene are known to have variable expressivity (PMID: 22039234, 29087248). (I) 0205 - Variant is predicted to result in a truncated protein (premature termination codon is NOT located at least 54 nucleotides upstream of the final exon-exon junction) with less than 1/3 of the protein sequence affected. (SP) 0251 - This variant is heterozygous. (I) 0301 - Variant is absent from gnomAD (both v2 and v3). (SP) 0601 - Variant is located in the well-established functional Jab1 C-terminal tail domain (distal tail). The majority of reported variants are located in the Jab1 C-terminal domain which is essential for protein function (PMID: 29087248). (I) 0704 - Another protein truncating variant comparable to the one identified in this case has limited previous evidence for pathogenicity. (SP) 0807 - This variant has no previous evidence of pathogenicity. (I) 0905 - No published segregation evidence has been identified for this variant. (I) 1007 - No published functional evidence has been identified for this variant. (I) 1208 - Inheritance information for this variant is not currently available in this individual. (I) Legend: (SP) - Supporting pathogenic, (I) - Information, (SB) - Supporting benign

Blueprint Genetics
Classification: Likely pathogenic for PRPF8-related disorders. Last evaluated: 2020-09-02. Review status: criteria provided, single submitter. Criteria: ACMG Guidelines, 2015. Collection method: clinical testing. Allele origin: germline. Affected: yes. Observed: 2 variant alleles.

Literature cited by the submitters: PubMed 20232351 (cited by Labcorp Genetics (formerly Invitae), Labcorp); PubMed 21378395 (cited by Labcorp Genetics (formerly Invitae), Labcorp); PubMed 28515276 (cited by Labcorp Genetics (formerly Invitae), Labcorp); PubMed 22039234 (cited by Victorian Clinical Genetics Services, Murdoch Childrens Research Institute); PubMed 23484092 (cited by Victorian Clinical Genetics Services, Murdoch Childrens Research Institute); PubMed 29087248 (cited by Victorian Clinical Genetics Services, Murdoch Childrens Research Institute); PubMed 32424050 (cited by Victorian Clinical Genetics Services, Murdoch Childrens Research Institute).